The following is an entry in ClinVar:

NM_024105.4(ALG12):c.100GAG[1] (p.Glu35del)

Gene: ALG12 (ALG12 alpha-1,6-mannosyltransferase; minus strand). Cytogenetic location: 22q13.33.
Variant type: Microsatellite.
Coding change: c.100GAG[1] on transcript NM_024105.4 (MANE Select); one copy of the 3-base unit GAG starting at c.100; the reference has two copies in a row; one copy, 3 bases deleted; also written c.103_105del.
Protein change: p.Glu35del; deletes glutamic acid 35.
Molecular consequence: inframe deletion.
Genome position (GRCh38, 1-based): chr22:49,913,661-49,913,663, CTC deleted on the plus strand (GAG on the coding strand, the reverse complement: ALG12 is on the minus strand); deleting any 3 consecutive bases within chr22:49,913,661-49,913,667 gives the same sequence; the position shown is the placement nearest the transcript's 3' end. VCF-style (leftmost placement, unchanged base first): chr22-49913660-TCTC-T. GRCh37 (hg19) VCF-style: chr22-50307308-TCTC-T.
Other names: c.103_105del (NM_024105.4); short protein forms E35del.
Identifiers: ClinVar variation 5018907 (VCV005018907.2).

ClinVar aggregate classification (germline): Uncertain significance (1 of 4 stars; one submission).

Conditions:
ALG12-congenital disorder of glycosylation (CDG1G). Also called: ALG12-CDG; CDG Ig; Congenital disorder of glycosylation, type Ig. Identifiers: Orphanet 79324, MedGen C2931001, MONDO:0011783, OMIM 607143.

Submission:

Juno Genomics, Hangzhou Juno Genomics, Inc
Classification: Uncertain significance for ALG12-congenital disorder of glycosylation. Review status: criteria provided, single submitter. Criteria: ACMG Guidelines, 2015. Collection method: clinical testing. Allele origin: germline.
Comment: Absent from controls (or at extremely low frequency if recessive) in Genome Aggregation Database.;Protein length changes due to in-frame deletions/insertions in a non-repeat region or stop-loss variants.